The following is an entry in ClinVar:

ClinVar aggregate classification (germline): Uncertain significance. Review status: criteria provided, multiple submitters, no conflicts (2 of 4 stars). 3 submissions from 3 submitters: Uncertain significance (3). Last evaluated 2025-11-09.

Conditions:
Progressive myoclonic epilepsy type 5. Identifiers: Orphanet 402082, MedGen C5190799.

Allele frequency attached by ClinVar (database versions not stated): gnomAD exomes 0.00004 and 0.00007; ExAC 0.00008; ESP Exome Variant Server 0.00023; gnomAD 0.00029 and 0.00032; TOPMed 0.00036.
gnomAD v4.1: 120 of 1,614,088 alleles (0.0074%); highest among the groups gnomAD compares: African/African-American, 0.12%; 1 homozygote.

Submissions (3):

Labcorp Genetics (formerly Invitae), Labcorp
Classification: Uncertain significance for Progressive myoclonic epilepsy type 5. Last evaluated: 2025-11-09. Review status: criteria provided, single submitter. Criteria: Invitae Variant Classification Sherloc (09022015). Collection method: clinical testing. Allele origin: germline.
Comment: This sequence change replaces histidine, which is basic and polar, with glutamine, which is neutral and polar, at codon 811 of the PRICKLE2 protein (p.His811Gln). This variant is present in population databases (rs113542442, gnomAD 0.1%), and has an allele count higher than expected for a pathogenic variant. This variant has not been reported in the literature in individuals affected with PRICKLE2-related conditions. ClinVar contains an entry for this variant (Variation ID: 578987). Invitae Evidence Modeling of protein sequence and biophysical properties (such as structural, functional, and spatial information, amino acid conservation, physicochemical variation, residue mobility, and thermodynamic stability) indicates that this missense variant is not expected to disrupt PRICKLE2 protein function with a negative predictive value of 80%. In summary, the available evidence is currently insufficient to determine the role of this variant in disease. Therefore, it has been classified as a Variant of Uncertain Significance.

Ambry Genetics
Classification: Uncertain significance. Last evaluated: 2022-12-27. Review status: criteria provided, single submitter. Criteria: Ambry Variant Classification Scheme 2023. Collection method: clinical testing. Allele origin: germline.

Revvity Omics, Revvity
Classification: Uncertain significance. Last evaluated: 2021-01-21. Review status: criteria provided, single submitter. Criteria: ACMG Guidelines, 2015. Collection method: clinical testing. Allele origin: germline.

NM_198859.4(PRICKLE2):c.2433C>G (p.His811Gln)

Genes: PRICKLE2 (prickle planar cell polarity protein 2; minus strand), PRICKLE2-AS1 (PRICKLE2 antisense RNA 1; plus strand). Cytogenetic location: 3p14.1.
Variant type: single nucleotide variant.
Coding change: c.2433C>G on transcript NM_198859.4 (MANE Select); coding-DNA position 2433, C replaced by G.
Protein change: p.His811Gln; replaces histidine 811 with glutamine.
Molecular consequence: missense variant. On other transcripts: non-coding transcript variant (1).
Genome position (GRCh38, 1-based): chr3:64,099,153, G>C on the plus strand (C>G on the coding strand, the complement: PRICKLE2 is on the minus strand). VCF-style: chr3-64099153-G-C. GRCh37 (hg19) VCF-style: chr3-64084829-G-C.
Other names: c.2433C>G, p.His811Gln (NM_001370528.1); short protein forms H811Q.
Identifiers: ClinVar variation 578987 (VCV000578987.11), dbSNP rs113542442, ClinGen allele CA2479438.
Genomic context (GRCh38, chr3:64,099,153, plus strand): 5'-GTGCAACTGTCCTCTGCCACCTAATGTGGAAGATTTGGGGAGGCCGTAGGAGCTGTATTT[G>C]TGCAGCAGCTCATCGCTTGTGACGTATCGCAGGCGCGCTGGCTGGGGGATGGGTTCTCCT-3'
Protein context (NP_942559.1, residues 801-821): LRYVTSDELL[His811Gln]KYSSYGLPKS